The following is an entry in ClinVar:

NM_016507.4(CDK12):c.842A>G (p.Glu281Gly)

Genes: CDK12 (cyclin dependent kinase 12; plus strand), LOC126862553 (CDK7 strongly-dependent group 2 enhancer GRCh37_chr17:37618166-37619365; plus strand). Cytogenetic location: 17q12.
Variant type: single nucleotide variant.
Coding change: c.842A>G on transcript NM_016507.4 (MANE Select); coding-DNA position 842, A replaced by G.
Protein change: p.Glu281Gly; replaces glutamic acid 281 with glycine.
Molecular consequence: missense variant.
Genome position (GRCh38, 1-based): chr17:39,462,913, A>G. VCF-style: chr17-39462913-A-G. GRCh37 (hg19) VCF-style: chr17-37619166-A-G.
Other names: c.842A>G, p.Glu281Gly (NM_015083.4); short protein forms E281G.
Identifiers: ClinVar variation 4651493 (VCV004651493.1).

ClinVar aggregate classification (germline): Uncertain significance (1 of 4 stars; one submission).

Submission:

Ambry Genetics
Classification: Uncertain significance. Last evaluated: 2025-12-12. Review status: criteria provided, single submitter. Criteria: Ambry Variant Classification Scheme 2023. Collection method: clinical testing. Allele origin: germline.
Comment: The p.E281G variant (also known as c.842A>G), located in coding exon 1 of the CDK12 gene, results from an A to G substitution at nucleotide position 842. The glutamic acid at codon 281 is replaced by glycine, an amino acid with similar properties. This amino acid position is conserved. In addition, this alteration is predicted to be tolerated by in silico analysis. Based on the available evidence, the clinical significance of this variant remains unclear.